The following is an entry in ClinVar:

NM_006767.4(LZTR1):c.2089del (p.Arg697fs)

Gene: LZTR1 (leucine zipper like post translational regulator 1; plus strand). Cytogenetic location: 22q11.21.
Variant type: Deletion.
Coding change: c.2089del on transcript NM_006767.4 (MANE Select); coding-DNA position 2089, one base deleted (C; older notation c.2089delC).
Protein change: p.Arg697fs; shifts the reading frame from arginine 697.
Molecular consequence: frameshift variant.
Genome position (GRCh38, 1-based): chr22:20,995,982, C deleted; the last of 2 consecutive C bases (chr22:20,995,981-20,995,982); deleting either gives the same sequence. VCF-style (leftmost placement, unchanged base first): chr22-20995980-TC-T. GRCh37 (hg19) VCF-style: chr22-21350269-TC-T.
Other names: short protein forms R697fs.
Identifiers: ClinVar variation 1076480 (VCV001076480.10), dbSNP rs2147969560, ClinGen allele CA2499226024.

ClinVar aggregate classification (germline): Pathogenic. Review status: criteria provided, multiple submitters, no conflicts (2 of 4 stars). 2 submissions from 2 submitters: Pathogenic (2). Last evaluated 2025-02-03.

Conditions:
Cardiovascular phenotype. Identifiers: MedGen CN230736.
Hereditary cancer-predisposing syndrome. Also called: Tumor predisposition; Hereditary neoplastic syndrome; Neoplastic Syndromes, Hereditary; Hereditary Cancer Syndrome. Identifiers: Orphanet 140162, MedGen C0027672, MeSH D009386, MONDO:0015356.

Submissions (2):

Ambry Genetics
Classification: Pathogenic for Cardiovascular phenotype; Hereditary cancer-predisposing syndrome. Last evaluated: 2025-02-03. Review status: criteria provided, single submitter. Criteria: Ambry Variant Classification Scheme 2023. Collection method: clinical testing. Allele origin: germline.
Comment: The c.2089delC pathogenic mutation, located in coding exon 18 of the LZTR1 gene, results from a deletion of one nucleotide at nucleotide position 2089, causing a translational frameshift with a predicted alternate stop codon (p.R697Gfs*10). This alteration is expected to result in loss of function by premature protein truncation or nonsense-mediated mRNA decay. Loss-of-function variants in LZTR1 are related to an increased risk for schwannomas and autosomal recessive Noonan syndrome; however, such associations with autosomal dominant Noonan syndrome have not been observed (Piotrowski A et al. Nat Genet. 2014 Feb;46:182-7; Yamamoto GL et al. J Med Genet. 2015 Jun;52:413-21; Johnston JJ et al. Genet Med. 2018 10;20:1175-1185). Based on the supporting evidence, this variant is pathogenic for an increased risk of LZTR1-related schwannomatosis (SWN) and would be expected to cause autosomal recessive Noonan syndrome when present along with a second pathogenic or likely pathogenic variant on the other allele; however, the association of this alteration with autosomal dominant Noonan syndrome is unlikely.

Labcorp Genetics (formerly Invitae), Labcorp
Classification: Pathogenic. Last evaluated: 2024-03-27. Review status: criteria provided, single submitter. Criteria: Invitae Variant Classification Sherloc (09022015). Collection method: clinical testing. Allele origin: germline.
Comment: This sequence change creates a premature translational stop signal (p.Arg697Glyfs*10) in the LZTR1 gene. It is expected to result in an absent or disrupted protein product. Loss-of-function variants in LZTR1 are known to be pathogenic (PMID: 24362817, 25335493, 25480913, 25795793, 29469822, 30368668, 30442762, 30442766, 30481304, 30859559). This variant is not present in population databases (gnomAD no frequency). This variant has not been reported in the literature in individuals affected with LZTR1-related conditions. ClinVar contains an entry for this variant (Variation ID: 1076480). For these reasons, this variant has been classified as Pathogenic.

Literature cited by the submitters: PubMed 24362817 (cited by Labcorp Genetics (formerly Invitae), Labcorp); PubMed 25335493 (cited by Labcorp Genetics (formerly Invitae), Labcorp); PubMed 25480913 (cited by Labcorp Genetics (formerly Invitae), Labcorp); PubMed 25795793 (cited by Labcorp Genetics (formerly Invitae), Labcorp); PubMed 29469822 (cited by Labcorp Genetics (formerly Invitae), Labcorp); PubMed 30368668 (cited by Labcorp Genetics (formerly Invitae), Labcorp); PubMed 30442762 (cited by Labcorp Genetics (formerly Invitae), Labcorp); PubMed 30442766 (cited by Labcorp Genetics (formerly Invitae), Labcorp); PubMed 30481304 (cited by Labcorp Genetics (formerly Invitae), Labcorp); PubMed 30859559 (cited by Labcorp Genetics (formerly Invitae), Labcorp).